The following is an entry in ClinVar:

NM_002253.4(KDR):c.2266+1G>T

Gene: KDR (kinase insert domain receptor; minus strand). Cytogenetic location: 4q12.
Variant type: single nucleotide variant.
Coding change: c.2266+1G>T on transcript NM_002253.4 (MANE Select); the canonical splice donor site of the intron after coding-DNA position 2266, G replaced by T.
Molecular consequence: splice donor variant.
Genome position (GRCh38, 1-based): chr4:55,101,896, C>A on the plus strand (G>T on the coding strand, the complement: KDR is on the minus strand). VCF-style: chr4-55101896-C-A. GRCh37 (hg19) VCF-style: chr4-55968063-C-A.
Identifiers: ClinVar variation 391912 (VCV000391912.2), dbSNP rs1057524286, ClinGen allele CA16604711.
Genomic context (GRCh38, chr4:55,101,896, plus strand): 5'-TTTTACGGCTGCATAGCATTCCATGGTGTATATGTACCACATTTTTTTTTATCCCACTGA[C>A]CTTCTATTATGAAAAATGCCTCCACTTTTGCACAGCCAAGAACACTGCATGCCTGGCAGG-3'

ClinVar aggregate classification (germline): Uncertain significance (1 of 4 stars; one submission).

Submission:

GeneDx
Classification: Uncertain significance. Last evaluated: 2018-03-14. Review status: criteria provided, single submitter. Criteria: GeneDx Variant Classification (06012015). Collection method: clinical testing. Allele origin: germline. Affected: yes.
Comment: The c.2266+1G>T variant in the KDR gene has not been reported previously as a pathogenic variant nor as a benign variant, to our knowledge. This splice site variant destroys the canonical splice donor site in intron 15. This splice site variant is predicted to cause abnormal gene splicing resulting in an in-frame protein product with an abnormal message. However, in the absence of RNA/functional studies, the actual effect of c.2266+1G>T in this individual is unknown. The c.2266+1G>T variant was not observed in approximately 6,500 individuals of European and African American ancestry in the NHLBI Exome Sequencing Project, indicating it is not a common benign variant in these populations. We interpret c.2266+1G>T as a variant of uncertain significance.